The following is an entry in ClinVar:

ClinVar aggregate classification (germline): Conflicting classifications of pathogenicity. Review status: criteria provided, conflicting classifications (1 of 4 stars). 2 submissions from 2 submitters: Likely pathogenic (1); Uncertain significance (1). Last evaluated 2024-10-15.

Conditions:
Familial thoracic aortic aneurysm and aortic dissection (TAAD). Also called: Thoracic aortic aneurysms and dissections. Identifiers: Orphanet 91387, MedGen C4707243, MONDO:0019625.
Marfan syndrome (MFS). Also called: MARFAN SYNDROME, TYPE I; Marfan syndrome type 1; Marfan's syndrome; FBN1-Related Marfan Syndrome; Marfan syndrome, classic. Identifiers: Orphanet 284963, Orphanet 558, MedGen C0024796, MONDO:0007947, OMIM 154700.

Submissions (2):

Color Diagnostics, LLC DBA Color Health
Classification: Uncertain significance for Familial thoracic aortic aneurysm and aortic dissection. Last evaluated: 2024-10-15. Review status: criteria provided, single submitter. Criteria: ACMG Guidelines, 2015. Collection method: clinical testing. Allele origin: germline.
Comment: This variant is inserts 18 nucleotides in the consensus splice donor site in exon 45 of the FBN1 gene. This variant is expected to cause an in-frame deletion of 14 amino acids in the EGF-like calcium-binding domain, a region containing several residues which are critical for FBN1 protein structure and stability (PMID: 4750422, 16677079, 31227806). To our knowledge, RNA studies have not been reported for this variant. This variant has not been reported in individuals affected with FBN1-related disorders in the literature. This variant has not been identified in the general population by the Genome Aggregation Database (gnomAD). Although there is a suspicion that this variant may be associated with disease, additional studies are necessary to determine the role of this variant in disease conclusively. Therefore, this variant is classified as a Variant of Uncertain Significance.

All of Us Research Program, National Institutes of Health
Classification: Likely pathogenic for Marfan syndrome. Last evaluated: 2024-09-06. Review status: criteria provided, single submitter. Criteria: ACMG Guidelines, 2015. Collection method: clinical testing. Allele origin: germline. Inheritance: Autosomal dominant inheritance. Observed: 1 variant allele, 1 heterozygote.
Comment: The c.5545+1_5545+2insAAACAGTTTAAAGGAAAA variant in the FBN1 gene affects the canonical donor splice site of intron 45. This variant has not been reported in individuals affected with FBN1-related conditions in the literature. Computational prediction tools suggest that this variant may lead to donor loss [Splice AI donor loss: 1.00 (2bp); donor gain: 0.29 (44bp)] and disturb normal splicing, resulting in aberrant or absent protein product. This variant may lead to in-frame exon 45 skipping; however, RNA analysis is not available. Loss-of-function variants and in-frame deletion variants in FBN1 are well known to be pathogenic and ClinGen score shows sufficient evidence of haploinsufficiency of this gene (PMID: 17701892, 30286810, 21063442, 17657824, 19293843, 36307213, 28842177). This variant is absent in the general population database, gnomAD. Other variants that affects the same splice site (c.5545+1G>A, c.5545+1del, c.5545+2T>C) have been interpreted as likely pathogenic in ClinVar database (ClinVar ID: 549288, 575467, 857577). Therefore, the c.5545+1_5545+2insAAACAGTTTAAAGGAAAA variant in the FBN1 gene is classified as likely pathogenic.

This study involves interpretation of variants in research participants for the purpose of population health screening. Participant phenotype was not available at the time of variant classification. Additional details can be found in publication PMID: 35346344, PMCID: PMC8962531

Literature cited by the submitters: PubMed 4750422 (cited by Color Diagnostics, LLC DBA Color Health); PubMed 16677079 (cited by Color Diagnostics, LLC DBA Color Health); PubMed 31227806 (cited by Color Diagnostics, LLC DBA Color Health); PubMed 17657824 (cited by All of Us Research Program, National Institutes of Health); PubMed 17701892 (cited by All of Us Research Program, National Institutes of Health); PubMed 19293843 (cited by All of Us Research Program, National Institutes of Health); PubMed 21063442 (cited by All of Us Research Program, National Institutes of Health); PubMed 28842177 (cited by All of Us Research Program, National Institutes of Health); PubMed 30286810 (cited by All of Us Research Program, National Institutes of Health); PubMed 36307213 (cited by All of Us Research Program, National Institutes of Health).

NM_000138.5(FBN1):c.5545+1_5545+2insAAACAGTTTAAAGGAAAA

Gene: FBN1 (fibrillin 1; minus strand). Cytogenetic location: 15q21.1.
Variant type: Insertion.
Coding change: c.5545+1_5545+2insAAACAGTTTAAAGGAAAA on transcript NM_000138.5 (MANE Select); the canonical splice donor site of the intron after coding-DNA position 5545, AAACAGTTTAAAGGAAAA inserted.
Molecular consequence: splice donor variant.
Genome position: GRCh38 VCF-style: chr15-48452560-A-ATTTTCCTTTAAACTGTTT. GRCh37 (hg19) VCF-style: chr15-48744757-A-ATTTTCCTTTAAACTGTTT.
Other names: c.5545+1_5545+2insAAACAGTTTAAAGGAAAA (NM_001406716.1).
Identifiers: ClinVar variation 3386782 (VCV003386782.2).
Genomic context (GRCh38, chr15:48,452,560, plus strand): 5'-TCTGAAGCTTCATGAAGACAAACTCTTGGGTAGGCATGTCCAGCCTGTGGGGCACTACAT[A>ATTTTCCTTTAAACTGTTT]CCATTGCACTGTCCTGTGGAGGTGAAGCGGTAGCCGGGCTTACAGTCACAGCGGTAGCTG-3'